The following is an entry in ClinVar:

ClinVar aggregate classification (germline): Uncertain significance (1 of 4 stars; one submission).

Conditions:
Hereditary cancer-predisposing syndrome. Also called: Tumor predisposition; Hereditary Cancer Syndrome; Neoplastic Syndromes, Hereditary; Hereditary neoplastic syndrome. Identifiers: Orphanet 140162, MedGen C0027672, MeSH D009386, MONDO:0015356.
Familial thoracic aortic aneurysm and aortic dissection (TAAD). Also called: Thoracic aortic aneurysms and dissections. Identifiers: Orphanet 91387, MedGen C4707243, MONDO:0019625.

Submission:

Ambry Genetics
Classification: Uncertain significance for Hereditary cancer-predisposing syndrome; Familial thoracic aortic aneurysm and aortic dissection. Last evaluated: 2026-06-16. Review status: criteria provided, single submitter. Criteria: Ambry Variant Classification Scheme 2023. Collection method: clinical testing. Allele origin: germline.
Comment: The p.L529S variant (also known as c.1586T>C), located in coding exon 11 of the SMAD4 gene, results from a T to C substitution at nucleotide position 1586. The leucine at codon 529 is replaced by serine, an amino acid with dissimilar properties. This amino acid position is highly conserved in available vertebrate species. In addition, this alteration is predicted to be deleterious by in silico analysis. Based on the available evidence, the clinical significance of this variant remains unclear.

NM_005359.6(SMAD4):c.1586T>C (p.Leu529Ser)

Gene: SMAD4 (SMAD family member 4; plus strand). Cytogenetic location: 18q21.2.
Variant type: single nucleotide variant.
Coding change: c.1586T>C on transcript NM_005359.6 (MANE Select); coding-DNA position 1586, T replaced by C.
Protein change: p.Leu529Ser; replaces leucine 529 with serine.
Molecular consequence: missense variant.
Genome position (GRCh38, 1-based): chr18:51,078,394, T>C. VCF-style: chr18-51078394-T-C. GRCh37 (hg19) VCF-style: chr18-48604764-T-C.
Other names: short protein forms L529S.
Identifiers: ClinVar variation 819548 (VCV000819548.5), dbSNP rs1599205483, ClinGen allele CA402466095.